The following is an entry in ClinVar:

NM_002880.4(RAF1):c.65T>G (p.Phe22Cys)

Gene: RAF1 (Raf-1 proto-oncogene, serine/threonine kinase; minus strand). Cytogenetic location: 3p25.2.
Variant type: single nucleotide variant.
Coding change: c.65T>G on transcript NM_002880.4 (MANE Select); coding-DNA position 65, T replaced by G.
Protein change: p.Phe22Cys; replaces phenylalanine 22 with cysteine.
Molecular consequence: missense variant. On other transcripts: 5 prime UTR variant (4), non-coding transcript variant (3).
Genome position (GRCh38, 1-based): chr3:12,618,657, A>C on the plus strand (T>G on the coding strand, the complement: RAF1 is on the minus strand). VCF-style: chr3-12618657-A-C. GRCh37 (hg19) VCF-style: chr3-12660156-A-C.
Other names: c.65T>G, p.Phe22Cys (NM_001354689.3, NM_001354690.3, NM_001354693.3); c.-66T>G (NM_001354691.3, NM_001354692.3, NM_001354694.3 and 1 more transcripts); short protein forms F22C.
Identifiers: ClinVar variation 1488780 (VCV001488780.10), dbSNP rs2125453485, ClinGen allele CA351485145.

ClinVar aggregate classification (germline): Uncertain significance. Review status: criteria provided, multiple submitters, no conflicts (2 of 4 stars). 2 submissions from 2 submitters: Uncertain significance (2). Last evaluated 2025-08-24.

Conditions:
RASopathy. Also called: rasopathies; Noonan spectrum disorder. Identifiers: Orphanet 536391, MedGen C5555857, MONDO:0021060.
Cardiovascular phenotype. Identifiers: MedGen CN230736.

Allele frequency attached by ClinVar (database versions not stated): gnomAD 0.00001.
gnomAD v4.1: 1 of 1,614,118 alleles (0.000062%); highest among the groups gnomAD compares: Non-Finnish European, 0.000085%; no homozygotes.

Submissions (2):

Labcorp Genetics (formerly Invitae), Labcorp
Classification: Uncertain significance for RASopathy. Last evaluated: 2025-08-24. Review status: criteria provided, single submitter. Criteria: Invitae Variant Classification Sherloc (09022015). Collection method: clinical testing. Allele origin: germline.
Comment: This sequence change replaces phenylalanine, which is neutral and non-polar, with cysteine, which is neutral and slightly polar, at codon 22 of the RAF1 protein (p.Phe22Cys). This variant is not present in population databases (gnomAD no frequency). This variant has not been reported in the literature in individuals affected with RAF1-related conditions. ClinVar contains an entry for this variant (Variation ID: 1488780). Invitae Evidence Modeling incorporating data from in vitro experimental studies (internal data) indicates that this missense variant is not expected to disrupt RAF1 function with a negative predictive value of 80%. In summary, the available evidence is currently insufficient to determine the role of this variant in disease. Therefore, it has been classified as a Variant of Uncertain Significance.

Ambry Genetics
Classification: Uncertain significance for Cardiovascular phenotype. Last evaluated: 2022-07-08. Review status: criteria provided, single submitter. Criteria: Ambry Variant Classification Scheme 2023. Collection method: clinical testing. Allele origin: germline.
Comment: The p.F22C variant (also known as c.65T>G), located in coding exon 1 of the RAF1 gene, results from a T to G substitution at nucleotide position 65. The phenylalanine at codon 22 is replaced by cysteine, an amino acid with highly dissimilar properties. This amino acid position is conserved. In addition, this alteration is predicted to be deleterious by in silico analysis. Since supporting evidence is limited at this time, the clinical significance of this alteration remains unclear.